The following is an entry in ClinVar:

NM_003172.4(SURF1):c.247C>T (p.Arg83Cys)

Gene: SURF1 (SURF1 cytochrome c oxidase assembly factor; minus strand). Cytogenetic location: 9q34.2.
Variant type: single nucleotide variant.
Coding change: c.247C>T on transcript NM_003172.4 (MANE Select); coding-DNA position 247, C replaced by T.
Protein change: p.Arg83Cys; replaces arginine 83 with cysteine.
Molecular consequence: missense variant. On other transcripts: 5 prime UTR variant (1).
Genome position (GRCh38, 1-based): chr9:133,354,735, G>A on the plus strand (C>T on the coding strand, the complement: SURF1 is on the minus strand). VCF-style: chr9-133354735-G-A. GRCh37 (hg19) VCF-style: chr9-136221590-G-A.
Other names: c.-81C>T (NM_001280787.1); short protein forms R83C.
Identifiers: ClinVar variation 1926647 (VCV001926647.2), dbSNP rs782134405, ClinGen allele CA200833377.

ClinVar aggregate classification (germline): Uncertain significance (1 of 4 stars; one submission).

Conditions:
Leigh syndrome (NULS). Also called: Leigh's necrotizing encephalopathy; Leigh's disease; Subacute necrotizing encephalopathy; Necrotizing encephalopathy infantile subacute of Leigh; LEIGH SYNDROME, NUCLEAR; Leigh's syndrome. Identifiers: Orphanet 506, MedGen C2931891, MONDO:0009723, OMIM 256000.

Allele frequency attached by ClinVar (database versions not stated): gnomAD 0.00001; gnomAD exomes 0.00001.

Submission:

Labcorp Genetics (formerly Invitae), Labcorp
Classification: Uncertain significance for Leigh syndrome. Last evaluated: 2022-03-14. Review status: criteria provided, single submitter. Criteria: Invitae Variant Classification Sherloc (09022015). Collection method: clinical testing. Allele origin: germline.
Comment: This sequence change replaces arginine, which is basic and polar, with cysteine, which is neutral and slightly polar, at codon 83 of the SURF1 protein (p.Arg83Cys). This variant is present in population databases (rs782134405, gnomAD 0.003%). This variant has not been reported in the literature in individuals affected with SURF1-related conditions. Algorithms developed to predict the effect of missense changes on protein structure and function (SIFT, PolyPhen-2, Align-GVGD) all suggest that this variant is likely to be disruptive. In summary, the available evidence is currently insufficient to determine the role of this variant in disease. Therefore, it has been classified as a Variant of Uncertain Significance.